The following is an entry in ClinVar:

ClinVar aggregate classification (germline): Uncertain significance. Review status: criteria provided, multiple submitters, no conflicts (2 of 4 stars). 2 submissions from 2 submitters: Uncertain significance (2). Last evaluated 2025-08-27.

Conditions:
Arrhythmogenic right ventricular dysplasia 9 (ARVD9). Also called: Arrhythmogenic Right Ventricular Dysplasia/Cardiomyopathy 9; ARRHYTHMOGENIC RIGHT VENTRICULAR DYSPLASIA, FAMILIAL, 9. Identifiers: MedGen C1836906, MONDO:0012180, OMIM 609040.

gnomAD v4.1: 1 of 1,613,640 alleles (0.000062%); highest among the groups gnomAD compares: South Asian, 0.0011%; no homozygotes.

Submissions (2):

Labcorp Genetics (formerly Invitae), Labcorp
Classification: Uncertain significance for Arrhythmogenic right ventricular dysplasia 9. Last evaluated: 2025-08-27. Review status: criteria provided, single submitter. Criteria: Invitae Variant Classification Sherloc (09022015). Collection method: clinical testing. Allele origin: germline.
Comment: This sequence change replaces leucine, which is neutral and non-polar, with phenylalanine, which is neutral and non-polar, at codon 787 of the PKP2 protein (p.Leu787Phe). This variant is not present in population databases (gnomAD no frequency). This missense change has been observed in individual(s) with autosomal dominant arrhythmogenic right ventricular cardiomyopathy (PMID: 20031617). ClinVar contains an entry for this variant (Variation ID: 3338805). An algorithm developed to predict the effect of missense changes on protein structure and function (PolyPhen-2) suggests that this variant is likely to be tolerated. In summary, the available evidence is currently insufficient to determine the role of this variant in disease. Therefore, it has been classified as a Variant of Uncertain Significance.

GeneDx
Classification: Uncertain significance. Last evaluated: 2023-12-13. Review status: criteria provided, single submitter. Criteria: GeneDx Variant Classification Process June 2021. Collection method: clinical testing. Allele origin: germline. Affected: yes.
Comment: Not observed at significant frequency in large population cohorts (gnomAD); In silico analysis supports that this missense variant does not alter protein structure/function; This variant is associated with the following publications: (PMID: 31402444, 20152563, 20031617)

Literature cited by the submitters: PubMed 20031617 (cited by Labcorp Genetics (formerly Invitae), Labcorp).

NM_001005242.3(PKP2):c.2227C>T (p.Leu743Phe)

Gene: PKP2 (plakophilin 2; minus strand). Cytogenetic location: 12p11.21.
Variant type: single nucleotide variant.
Coding change: c.2227C>T on transcript NM_001005242.3 (MANE Select); coding-DNA position 2227, C replaced by T.
Protein change: p.Leu743Phe; replaces leucine 743 with phenylalanine.
Molecular consequence: missense variant. On other transcripts: intron variant (2).
Genome position (GRCh38, 1-based): chr12:32,796,239, G>A on the plus strand (C>T on the coding strand, the complement: PKP2 is on the minus strand). VCF-style: chr12-32796239-G-A. GRCh37 (hg19) VCF-style: chr12-32949173-G-A.
Other names: c.2062C>T, p.Leu688Phe (NM_001407156.1); c.1900C>T, p.Leu634Phe (NM_001407158.1, NM_001407159.1); c.2359C>T, p.Leu787Phe (NM_004572.4); c.2168-3508C>T (NM_001407155.1); c.1841-3508C>T (NM_001407160.1); short protein forms L634F, L688F, L743F, L787F.
Identifiers: ClinVar variation 3338805 (VCV003338805.2).
Genomic context (GRCh38, chr12:32,796,239, plus strand): 5'-AACTGTTTTGGATTATGTTGTTCAATGTGTAACAGGCAGAGGCTGTAGTTTCAATGAGAA[G>A]GTCAGTACTCGGGACTGTGTCAGGAATGATGGAAACCAAATCAGGGAGAGTTTCTTTGGC-3'
Protein context (NP_001005242.2, residues 733-753): IIPDTVPSTD[Leu743Phe]LIETTASACY